The following is an entry in ClinVar:

NM_022356.4(P3H1):c.7G>A (p.Val3Ile)

Gene: P3H1 (prolyl 3-hydroxylase 1; minus strand). Cytogenetic location: 1p34.2.
Variant type: single nucleotide variant.
Coding change: c.7G>A on transcript NM_022356.4 (MANE Select); coding-DNA position 7, G replaced by A.
Protein change: p.Val3Ile; replaces valine 3 with isoleucine.
Molecular consequence: missense variant.
Genome position (GRCh38, 1-based): chr1:42,766,965, C>T on the plus strand (G>A on the coding strand, the complement: P3H1 is on the minus strand). VCF-style: chr1-42766965-C-T. GRCh37 (hg19) VCF-style: chr1-43232636-C-T.
Other names: c.7G>A, p.Val3Ile (NM_001146289.2, NM_001243246.2); short protein forms V3I.
Identifiers: ClinVar variation 875633 (VCV000875633.8), dbSNP rs773870737, ClinGen allele CA802247.

ClinVar aggregate classification (germline): Uncertain significance. Review status: criteria provided, multiple submitters, no conflicts (2 of 4 stars). 3 submissions from 3 submitters: Uncertain significance (3). Last evaluated 2024-11-18.

Conditions:
Osteogenesis imperfecta type 8 (OI8). Identifiers: MedGen C1970458, MONDO:0012581, OMIM 610915.

Allele frequency attached by ClinVar (database versions not stated): gnomAD exomes 0.00001; gnomAD 0.00002; TOPMed 0.00002; ExAC 0.00003.

Submissions (3):

Labcorp Genetics (formerly Invitae), Labcorp
Classification: Uncertain significance for Osteogenesis imperfecta type 8. Last evaluated: 2024-11-18. Review status: criteria provided, single submitter. Criteria: Invitae Variant Classification Sherloc (09022015). Collection method: clinical testing. Allele origin: germline.
Comment: This sequence change replaces valine, which is neutral and non-polar, with isoleucine, which is neutral and non-polar, at codon 3 of the P3H1 protein (p.Val3Ile). This variant is present in population databases (rs773870737, gnomAD 0.004%). This variant has not been reported in the literature in individuals affected with P3H1-related conditions. ClinVar contains an entry for this variant (Variation ID: 875633). Experimental studies and prediction algorithms are not available or were not evaluated, and the functional significance of this variant is currently unknown. In summary, the available evidence is currently insufficient to determine the role of this variant in disease. Therefore, it has been classified as a Variant of Uncertain Significance.

Genome-Nilou Lab
Classification: Uncertain significance for Osteogenesis imperfecta type 8. Last evaluated: 2023-04-11. Review status: criteria provided, single submitter. Criteria: ACMG Guidelines, 2015. Collection method: clinical testing. Allele origin: germline. Affected: no.

Illumina Laboratory Services, Illumina
Classification: Uncertain significance for Osteogenesis imperfecta type 8. Last evaluated: 2018-01-12. Review status: criteria provided, single submitter. Criteria: ICSL Variant Classification Criteria 13 December 2019. Collection method: clinical testing. Allele origin: germline.